The following is an entry in ClinVar:

NM_004793.4(LONP1):c.241G>C (p.Gly81Arg)

Gene: LONP1 (lon peptidase 1, mitochondrial; minus strand). Cytogenetic location: 19p13.3.
Variant type: single nucleotide variant.
Coding change: c.241G>C on transcript NM_004793.4 (MANE Select); coding-DNA position 241, G replaced by C.
Protein change: p.Gly81Arg; replaces glycine 81 with arginine.
Molecular consequence: missense variant. On other transcripts: intron variant (2).
Genome position (GRCh38, 1-based): chr19:5,719,892, C>G on the plus strand (G>C on the coding strand, the complement: LONP1 is on the minus strand). VCF-style: chr19-5719892-C-G. GRCh37 (hg19) VCF-style: chr19-5719903-C-G.
Other names: c.-160+327G>C (NM_001276480.1); c.125-76G>C (NM_001276479.2); short protein forms G81R.
Identifiers: ClinVar variation 2821995 (VCV002821995.3), dbSNP rs751508398, ClinGen allele CA9115206.

ClinVar aggregate classification (germline): Uncertain significance (1 of 4 stars; one submission).

gnomAD v4.1: 19 of 1,563,916 alleles (0.0012%); highest among the groups gnomAD compares: East Asian, 0.036%; no homozygotes.

Submission:

Labcorp Genetics (formerly Invitae), Labcorp
Classification: Uncertain significance. Last evaluated: 2025-12-01. Review status: criteria provided, single submitter. Criteria: Invitae Variant Classification Sherloc (09022015). Collection method: clinical testing. Allele origin: germline.
Comment: This sequence change replaces glycine, which is neutral and non-polar, with arginine, which is basic and polar, at codon 81 of the LONP1 protein (p.Gly81Arg). This variant is present in population databases (rs751508398, gnomAD 0.009%). This variant has not been reported in the literature in individuals affected with LONP1-related conditions. ClinVar contains an entry for this variant (Variation ID: 2821995). Invitae Evidence Modeling of protein sequence and biophysical properties (such as structural, functional, and spatial information, amino acid conservation, physicochemical variation, residue mobility, and thermodynamic stability) indicates that this missense variant is not expected to disrupt LONP1 protein function with a negative predictive value of 95%. In summary, the available evidence is currently insufficient to determine the role of this variant in disease. Therefore, it has been classified as a Variant of Uncertain Significance.